The following is an entry in ClinVar:

ClinVar aggregate classification (germline): Uncertain significance. Review status: criteria provided, multiple submitters, no conflicts (2 of 4 stars). 2 submissions from 2 submitters: Uncertain significance (2). Last evaluated 2024-04-08.

Conditions:
Thrombophilia due to protein S deficiency, autosomal recessive (THPH6). Identifiers: Orphanet 743, MedGen C3281092, MONDO:0013791, OMIM 614514. Disease mechanism: loss of function.

Submissions (2):

Labcorp Genetics (formerly Invitae), Labcorp
Classification: Uncertain significance for Thrombophilia due to protein S deficiency, autosomal recessive. Last evaluated: 2024-04-08. Review status: criteria provided, single submitter. Criteria: Invitae Variant Classification Sherloc (09022015). Collection method: clinical testing. Allele origin: germline.
Comment: This sequence change replaces leucine, which is neutral and non-polar, with arginine, which is basic and polar, at codon 604 of the PROS1 protein (p.Leu604Arg). This variant is not present in population databases (gnomAD no frequency). This variant has not been reported in the literature in individuals affected with PROS1-related conditions. ClinVar contains an entry for this variant (Variation ID: 1312442). Advanced modeling of protein sequence and biophysical properties (such as structural, functional, and spatial information, amino acid conservation, physicochemical variation, residue mobility, and thermodynamic stability) has been performed at Invitae for this missense variant, however the output from this modeling did not meet the statistical confidence thresholds required to predict the impact of this variant on PROS1 protein function. In summary, the available evidence is currently insufficient to determine the role of this variant in disease. Therefore, it has been classified as a Variant of Uncertain Significance.

GeneDx
Classification: Uncertain significance. Last evaluated: 2019-09-18. Review status: criteria provided, single submitter. Criteria: GeneDx Variant Classification Process June 2021. Collection method: clinical testing. Allele origin: germline. Affected: yes.
Comment: Has not been previously published as pathogenic or benign to our knowledge; In silico analysis, which includes protein predictors and evolutionary conservation, supports a deleterious effect; Not observed in large population cohorts (Lek et al., 2016)

NM_000313.4(PROS1):c.1811T>G (p.Leu604Arg)

Gene: PROS1 (protein S; minus strand). Cytogenetic location: 3q11.1.
Variant type: single nucleotide variant.
Coding change: c.1811T>G on transcript NM_000313.4 (MANE Select); coding-DNA position 1811, T replaced by G.
Protein change: p.Leu604Arg; replaces leucine 604 with arginine.
Molecular consequence: missense variant.
Genome position (GRCh38, 1-based): chr3:93,877,025, A>C on the plus strand (T>G on the coding strand, the complement: PROS1 is on the minus strand). VCF-style: chr3-93877025-A-C. GRCh37 (hg19) VCF-style: chr3-93595869-A-C.
Other names: c.1907T>G, p.Leu636Arg (NM_001314077.2); short protein forms L604R, L636R.
Identifiers: ClinVar variation 1312442 (VCV001312442.5), dbSNP rs2107125076, ClinGen allele CA353670934.